The following is an entry in ClinVar:

ClinVar aggregate classification (germline): Uncertain significance (1 of 4 stars; one submission).

Conditions:
Autosomal recessive limb-girdle muscular dystrophy type 2A (LGMDR1). Also called: LEYDEN-MOEBIUS MUSCULAR DYSTROPHY; MUSCULAR DYSTROPHY, PELVOFEMORAL; Muscular dystrophy, limb-girdle, type 2A, Amish; Limb-girdle muscular dystrophy, type 2A; Calpainopathy. Identifiers: Orphanet 267, MedGen C1869123, MONDO:0009675, OMIM 253600. Disease mechanism: loss of function.

gnomAD v4.1: 1 of 1,614,164 alleles (0.000062%); highest among the groups gnomAD compares: Non-Finnish European, 0.000085%; no homozygotes.

Submission:

Juno Genomics, Hangzhou Juno Genomics, Inc
Classification: Uncertain significance for Autosomal recessive limb-girdle muscular dystrophy type 2A. Review status: criteria provided, single submitter. Criteria: ACMG Guidelines, 2015. Collection method: clinical testing. Allele origin: germline.
Comment: Absent from controls (or at extremely low frequency if recessive) in Genome Aggregation Database.;Multiple lines of computational evidence support a deleterious effect on the gene or gene product.

NM_000070.3(CAPN3):c.2323A>G (p.Met775Val)

Gene: CAPN3 (calpain 3; plus strand). Cytogenetic location: 15q15.1.
Variant type: single nucleotide variant.
Coding change: c.2323A>G on transcript NM_000070.3 (MANE Select); coding-DNA position 2323, A replaced by G.
Protein change: p.Met775Val; replaces methionine 775 with valine.
Molecular consequence: missense variant.
Genome position (GRCh38, 1-based): chr15:42,410,943, A>G. VCF-style: chr15-42410943-A-G. GRCh37 (hg19) VCF-style: chr15-42703141-A-G.
Other names: c.2305A>G, p.Met769Val (NM_024344.2); c.2047A>G, p.Met683Val (NM_173087.2); c.787A>G, p.Met263Val (NM_173088.2); c.328A>G, p.Met110Val (NM_173089.2, NM_173090.2); short protein forms M263V, M683V, M775V, M110V, M769V.
Identifiers: ClinVar variation 5007639 (VCV005007639.2).